The following is an entry in ClinVar:

NM_001009944.3(PKD1):c.6518T>A (p.Val2173Asp)

Gene: PKD1 (polycystin 1, transient receptor potential channel interacting; minus strand). Cytogenetic location: 16p13.3.
Variant type: single nucleotide variant.
Coding change: c.6518T>A on transcript NM_001009944.3 (MANE Select); coding-DNA position 6518, T replaced by A.
Protein change: p.Val2173Asp; replaces valine 2173 with aspartic acid.
Molecular consequence: missense variant.
Genome position (GRCh38, 1-based): chr16:2,108,649, A>T on the plus strand (T>A on the coding strand, the complement: PKD1 is on the minus strand). VCF-style: chr16-2108649-A-T. GRCh37 (hg19) VCF-style: chr16-2158650-A-T.
Other names: c.6518T>A, p.Val2173Asp (NM_000296.4); short protein forms V2173D.
Identifiers: ClinVar variation 4530783 (VCV004530783.1).

ClinVar aggregate classification (germline): Uncertain significance (1 of 4 stars; one submission).

Submission:

GeneDx
Classification: Uncertain significance. Last evaluated: 2025-05-21. Review status: criteria provided, single submitter. Criteria: GeneDx Variant Classification Process June 2021. Collection method: clinical testing. Allele origin: germline. Affected: yes.
Comment: Not observed at significant frequency in large population cohorts (gnomAD); In silico analysis supports that this missense variant has a deleterious effect on protein structure/function; This variant is associated with the following publications: (PMID: 27499327, 37509056, 38527221)